The following is an entry in ClinVar:

ClinVar aggregate classification (germline): Uncertain significance (1 of 4 stars; one submission).

Allele frequency attached by ClinVar (database versions not stated): gnomAD exomes below 0.00001.

Submission:

Labcorp Genetics (formerly Invitae), Labcorp
Classification: Uncertain significance. Last evaluated: 2024-04-29. Review status: criteria provided, single submitter. Criteria: Invitae Variant Classification Sherloc (09022015). Collection method: clinical testing. Allele origin: germline.
Comment: This sequence change replaces arginine, which is basic and polar, with glutamine, which is neutral and polar, at codon 117 of the DSG1 protein (p.Arg117Gln). This variant is present in population databases (no rsID available, gnomAD 0.006%). This variant has not been reported in the literature in individuals affected with DSG1-related conditions. ClinVar contains an entry for this variant (Variation ID: 2189050). Advanced modeling of protein sequence and biophysical properties (such as structural, functional, and spatial information, amino acid conservation, physicochemical variation, residue mobility, and thermodynamic stability) performed at Invitae indicates that this missense variant is not expected to disrupt DSG1 protein function with a negative predictive value of 80%. In summary, the available evidence is currently insufficient to determine the role of this variant in disease. Therefore, it has been classified as a Variant of Uncertain Significance.

NM_001942.4(DSG1):c.350G>A (p.Arg117Gln)

Gene: DSG1 (desmoglein 1; plus strand). Cytogenetic location: 18q12.1.
Variant type: single nucleotide variant.
Coding change: c.350G>A on transcript NM_001942.4 (MANE Select); coding-DNA position 350, G replaced by A.
Protein change: p.Arg117Gln; replaces arginine 117 with glutamine.
Molecular consequence: missense variant.
Genome position (GRCh38, 1-based): chr18:31,328,322, G>A. VCF-style: chr18-31328322-G-A. GRCh37 (hg19) VCF-style: chr18-28908285-G-A.
Other names: short protein forms R117Q.
Identifiers: ClinVar variation 2189050 (VCV002189050.4), dbSNP rs988398208, ClinGen allele CA297690507.